The following is an entry in ClinVar:

ClinVar aggregate classification (germline): Conflicting classifications of pathogenicity. Review status: criteria provided, conflicting classifications (1 of 4 stars). 6 submissions from 6 submitters: Likely pathogenic (2); Uncertain significance (3). 1 of the submissions does not count toward it. Last evaluated 2025-12-29.

Conditions:
Peutz-Jeghers syndrome (PJS). Also called: POLYPOSIS, HAMARTOMATOUS INTESTINAL; POLYPS-AND-SPOTS SYNDROME; Peutz-Jeghers polyposis; Periorificial lentiginosis syndrome. Identifiers: Orphanet 2869, MedGen C0031269, MeSH D010580, MONDO:0008280, OMIM 175200.
Hereditary cancer-predisposing syndrome. Also called: Neoplastic Syndromes, Hereditary; Hereditary neoplastic syndrome; Tumor predisposition; Hereditary Cancer Syndrome. Identifiers: Orphanet 140162, MedGen C0027672, MeSH D009386, MONDO:0015356.

Submissions (6):

Center for Genomic Medicine, Rigshospitalet, Copenhagen University Hospital
Classification: Likely pathogenic. Last evaluated: 2025-12-29. Review status: criteria provided, single submitter. Criteria: ACMG Guidelines, 2015. Collection method: clinical testing. Allele origin: germline.
Comment: Classification criteria: PVS1, PM2_sup

All of Us Research Program, National Institutes of Health
Classification: Uncertain significance for Peutz-Jeghers syndrome. Last evaluated: 2023-10-02. Review status: criteria provided, single submitter. Criteria: ACMG Guidelines, 2015. Collection method: clinical testing. Allele origin: germline. Inheritance: Autosomal dominant inheritance. Observed: 1 variant allele, 1 heterozygote.
Comment: This variant disrupts a splice site and is predicted to result in abnormal splicing. Aberrant splicing and/or loss of function is an established mechanism of disease. This prediction has not been confirmed by functional studies. A different variant at the same splice site has been reported in association with disease and is independently classified as likely pathogenic or pathogenic. To date, the c.374+2T>C variant has not been reported in association with human disease in the medical literature. This variant is absent from large population databases, including the Genome Aggregation Database.

This study involves interpretation of variants in research participants for the purpose of population health screening. Participant phenotype was not available at the time of variant classification. Additional details can be found in publication PMID: 35346344, PMCID: PMC8962531

Labcorp Genetics (formerly Invitae), Labcorp
Classification: Uncertain significance for Peutz-Jeghers syndrome. Last evaluated: 2022-10-13. Review status: criteria provided, single submitter. Criteria: Invitae Variant Classification Sherloc (09022015). Collection method: clinical testing. Allele origin: germline.
Comment: In summary, the available evidence is currently insufficient to determine the role of this variant in disease. Therefore, it has been classified as a Variant of Uncertain Significance. This variant affects a splice site of the intron 2, which has atypical splice donor sequences AT, instead of the canonical GT dinucleotides. Algorithms developed to predict the effect of sequence changes on RNA splicing suggest that this variant may disrupt the consensus splice site. ClinVar contains an entry for this variant (Variation ID: 548854). This variant has not been reported in the literature in individuals affected with STK11-related conditions. This variant is not present in population databases (gnomAD no frequency). This sequence change falls in intron 2 of the STK11 gene. It does not directly change the encoded amino acid sequence of the STK11 protein. It affects a nucleotide within the consensus splice site.

Ambry Genetics
Classification: Uncertain significance for Hereditary cancer-predisposing syndrome. Last evaluated: 2022-06-03. Review status: criteria provided, single submitter. Criteria: Ambry Variant Classification Scheme 2023. Collection method: clinical testing. Allele origin: germline.
Comment: The c.374+2T>C intronic variant results from a T to C substitution two nucleotides after coding exon 2 in the STK11 gene. This nucleotide position is highly conserved in available vertebrate species. This alteration is located within a U12-type intron and in silico tools are not reliable predictors of splice sites in this type of intron. This alteration has been detected in individuals who do not have a personal or family history that is suggestive of Peutz-Jeghers Syndrome (Ambry internal data). RNA studies have demonstrated that this alteration results in a splice defect; the clinical impact of this abnormal splicing is unknown at this time (Ambry internal data). Since supporting evidence is limited at this time, the clinical significance of this alteration remains unclear.

Quest Diagnostics Nichols Institute San Juan Capistrano
Classification: Likely pathogenic. Last evaluated: 2021-05-19. Review status: criteria provided, single submitter. Criteria: Quest Diagnostics criteria. Collection method: clinical testing. Allele origin: unknown.
Comment: This variant is located in a canonical splice-donor site and is predicted to interfere with normal STK11 mRNA splicing. To the best of our knowledge, the variant has not been reported in the published literature. Based on the available information, the variant is predicted to be likely pathogenic.

Counsyl
Classification: Likely pathogenic for Peutz-Jeghers syndrome. Last evaluated: 2018-02-01. Review status: no assertion criteria provided. Collection method: clinical testing. Allele origin: unknown. Not counted in ClinVar's aggregate classification.

NM_000455.5(STK11):c.374+2T>C

Gene: STK11 (serine/threonine kinase 11; plus strand). Cytogenetic location: 19p13.3.
Variant type: single nucleotide variant.
Coding change: c.374+2T>C on transcript NM_000455.5 (MANE Select); the canonical splice donor site of the intron after coding-DNA position 374, T replaced by C.
Molecular consequence: splice donor variant.
Genome position (GRCh38, 1-based): chr19:1,218,502, T>C. VCF-style: chr19-1218502-T-C. GRCh37 (hg19) VCF-style: chr19-1218501-T-C.
Other names: c.374+2T>C (NM_001407255.1).
Identifiers: ClinVar variation 548854 (VCV000548854.16), dbSNP rs1555737480, ClinGen allele CA402947969.